The following is an entry in ClinVar:

ClinVar aggregate classification (germline): Likely pathogenic (1 of 4 stars; one submission).

Submission:

Labcorp Genetics (formerly Invitae), Labcorp
Classification: Likely pathogenic. Last evaluated: 2023-05-20. Review status: criteria provided, single submitter. Criteria: Invitae Variant Classification Sherloc (09022015). Collection method: clinical testing. Allele origin: germline.
Comment: This variant has not been reported in the literature in individuals affected with NBAS-related conditions. In summary, the currently available evidence indicates that the variant is pathogenic, but additional data are needed to prove that conclusively. Therefore, this variant has been classified as Likely Pathogenic. Algorithms developed to predict the effect of sequence changes on RNA splicing suggest that this variant may disrupt the consensus splice site. This variant is not present in population databases (gnomAD no frequency). This sequence change affects a donor splice site in intron 25 of the NBAS gene. It is expected to disrupt RNA splicing. Variants that disrupt the donor or acceptor splice site typically lead to a loss of protein function (PMID: 16199547), and loss-of-function variants in NBAS are known to be pathogenic (PMID: 26073778, 26541327, 27789416, 28031453).

Literature cited by the submitters: PubMed 16199547; PubMed 26073778; PubMed 26541327; PubMed 27789416; PubMed 28031453.

NM_015909.4(NBAS):c.2937+1G>T

Gene: NBAS (NBAS subunit of NRZ tethering complex; minus strand). Cytogenetic location: 2p24.3.
Variant type: single nucleotide variant.
Coding change: c.2937+1G>T on transcript NM_015909.4 (MANE Select); the canonical splice donor site of the intron after coding-DNA position 2937, G replaced by T.
Molecular consequence: splice donor variant.
Genome position (GRCh38, 1-based): chr2:15,415,545, C>A on the plus strand (G>T on the coding strand, the complement: NBAS is on the minus strand). VCF-style: chr2-15415545-C-A. GRCh37 (hg19) VCF-style: chr2-15555669-C-A.
Identifiers: ClinVar variation 2779065 (VCV002779065.3), dbSNP rs2529000672, ClinGen allele CA345885393.